The following is an entry in ClinVar:

NM_006493.4(CLN5):c.467C>T (p.Pro156Leu)

Gene: CLN5 (CLN5 lysosomal BMP synthase; plus strand). Cytogenetic location: 13q22.3.
Variant type: single nucleotide variant.
Coding change: c.467C>T on transcript NM_006493.4 (MANE Select); coding-DNA position 467, C replaced by T.
Protein change: p.Pro156Leu; replaces proline 156 with leucine.
Molecular consequence: missense variant.
Genome position (GRCh38, 1-based): chr13:76,996,029, C>T. VCF-style: chr13-76996029-C-T. GRCh37 (hg19) VCF-style: chr13-77570164-C-T.
Other names: c.467C>T, p.Pro156Leu (NM_001366624.2); short protein forms P156L.
Identifiers: ClinVar variation 938187 (VCV000938187.11), dbSNP rs780802058, ClinGen allele CA7007206.

ClinVar aggregate classification (germline): Uncertain significance. Review status: criteria provided, multiple submitters, no conflicts (2 of 4 stars). 3 submissions from 3 submitters: Uncertain significance (2). 1 of the submissions does not count toward it. Last evaluated 2022-11-02.

Conditions:
Neuronal ceroid lipofuscinosis. Also called: Neuronal Ceroid Lipofuscinoses. Identifiers: Orphanet 216, Orphanet 79263, MedGen C0027877, MONDO:0016295. Disease mechanism: loss of function.

Allele frequency attached by ClinVar (database versions not stated): gnomAD exomes 0.00001; TOPMed 0.00001; ExAC 0.00003.
gnomAD v4.1: 14 of 1,614,130 alleles (0.00087%); highest among the groups gnomAD compares: Non-Finnish European, 0.0011%; no homozygotes.

Submissions (3):

Blueprint Genetics
Classification: Uncertain significance. Last evaluated: 2022-11-02. Review status: criteria provided, single submitter. Criteria: ACMG Guidelines, 2015. Collection method: clinical testing. Allele origin: germline.

Labcorp Genetics (formerly Invitae), Labcorp
Classification: Uncertain significance for Neuronal ceroid lipofuscinosis. Last evaluated: 2022-03-11. Review status: criteria provided, single submitter. Criteria: Invitae Variant Classification Sherloc (09022015). Collection method: clinical testing. Allele origin: germline.
Comment: This sequence change replaces proline, which is neutral and non-polar, with leucine, which is neutral and non-polar, at codon 205 of the CLN5 protein (p.Pro205Leu). This variant is present in population databases (rs780802058, gnomAD 0.004%). This variant has not been reported in the literature in individuals affected with CLN5-related conditions. ClinVar contains an entry for this variant (Variation ID: 938187). Algorithms developed to predict the effect of missense changes on protein structure and function (SIFT, PolyPhen-2, Align-GVGD) all suggest that this variant is likely to be disruptive. In summary, the available evidence is currently insufficient to determine the role of this variant in disease. Therefore, it has been classified as a Variant of Uncertain Significance.

Natera, Inc.
Classification: Uncertain significance for Neuronal ceroid lipofuscinosis. Last evaluated: 2020-08-27. Review status: no assertion criteria provided. Collection method: clinical testing. Allele origin: germline. Not counted in ClinVar's aggregate classification.